The following is an entry in ClinVar:

NM_000548.5(TSC2):c.2339del (p.Leu780fs)

Gene: TSC2 (TSC complex subunit 2; plus strand). Cytogenetic location: 16p13.3.
Variant type: Deletion.
Coding change: c.2339del on transcript NM_000548.5 (MANE Select); coding-DNA position 2339, one base deleted (T; older notation c.2339delT).
Protein change: p.Leu780fs; shifts the reading frame from leucine 780.
Molecular consequence: frameshift variant. On other transcripts: non-coding transcript variant (5).
Genome position (GRCh38, 1-based): chr16:2,072,967, T deleted. VCF-style (leftmost placement, unchanged base first): chr16-2072966-CT-C. GRCh37 (hg19) VCF-style: chr16-2122967-CT-C.
Other names: c.2339del, p.Leu780fs (NM_001077183.3, NM_001114382.3, NM_001363528.2 and 6 more transcripts); c.2228del, p.Leu743fs (NM_001318827.2, NM_001406670.1, NM_001406678.1); c.2192del, p.Leu731fs (NM_001318829.2, NM_001406675.1, NM_001406676.1 and 1 more transcripts); c.1739del, p.Leu580fs (NM_001318831.2, NM_001406680.1, NM_001406682.1 and 6 more transcripts); c.2372del, p.Leu791fs (NM_001318832.2); c.2429del, p.Leu810fs (NM_001406667.1, NM_001406668.1); c.2327del, p.Leu776fs (NM_001406671.1, NM_001406673.1); c.2282del, p.Leu761fs (NM_001406677.1); and 3 more; short protein forms L761fs, L780fs, L246fs, L580fs, L626fs, L731fs, L776fs, L332fs.
Identifiers: ClinVar variation 3655987 (VCV003655987.2).
Genomic context (GRCh38, chr16:2,072,966, plus strand): 5'-ACTGACTTGCACCTGGCCGTGGTTCCAGTGCTGACAGCATTAATCTCTTACCATAACTAC[CT>C]GGACAAAACCAAACAGGTAGGAGGTCAGAGCAGGACAGGCGAGCTTGATGGGGCCTGGGA-3'

ClinVar aggregate classification (germline): Pathogenic (1 of 4 stars; one submission).

Conditions:
Tuberous sclerosis 2 (TSC2). Identifiers: Orphanet 805, MedGen C1860707, MONDO:0013199, OMIM 613254.

Submission:

Labcorp Genetics (formerly Invitae), Labcorp
Classification: Pathogenic for Tuberous sclerosis 2. Last evaluated: 2024-06-09. Review status: criteria provided, single submitter. Criteria: Invitae Variant Classification Sherloc (09022015). Collection method: clinical testing. Allele origin: germline.
Comment: This sequence change creates a premature translational stop signal (p.Leu780Argfs*49) in the TSC2 gene. It is expected to result in an absent or disrupted protein product. Loss-of-function variants in TSC2 are known to be pathogenic (PMID: 10205261, 17304050). This variant is not present in population databases (gnomAD no frequency). This variant has not been reported in the literature in individuals affected with TSC2-related conditions. For these reasons, this variant has been classified as Pathogenic.

Literature cited by the submitters: PubMed 10205261; PubMed 17304050.